The following is an entry in ClinVar:

NM_001110556.2(FLNA):c.3115G>C (p.Gly1039Arg)

Gene: FLNA (filamin A; minus strand). Cytogenetic location: Xq28.
Variant type: single nucleotide variant.
Coding change: c.3115G>C on transcript NM_001110556.2 (MANE Select); coding-DNA position 3115, G replaced by C.
Protein change: p.Gly1039Arg; replaces glycine 1039 with arginine.
Molecular consequence: missense variant.
Genome position (GRCh38, 1-based): chrX:154,361,400, C>G on the plus strand (G>C on the coding strand, the complement: FLNA is on the minus strand). VCF-style: chrX-154361400-C-G. GRCh37 (hg19) VCF-style: chrX-153589768-C-G.
Other names: c.3115G>C, p.Gly1039Arg (NM_001456.4); short protein forms G1039R.
Identifiers: ClinVar variation 5018013 (VCV005018013.1).

ClinVar aggregate classification (germline): Uncertain significance (1 of 4 stars; one submission).

Submission:

GeneDx
Classification: Uncertain significance. Last evaluated: 2026-03-31. Review status: criteria provided, single submitter. Criteria: GeneDx Variant Classification Process June 2021. Collection method: clinical testing. Allele origin: germline.
Comment: Not observed at significant frequency in large population cohorts (gnomAD); In silico analysis supports that this missense variant has a deleterious effect on protein structure/function; Has not been previously published as pathogenic or benign to our knowledge